The following is an entry in ClinVar:

NM_138395.4(MARS2):c.119_127del (p.Ala40_Asp42del)

Gene: MARS2 (methionyl-tRNA synthetase 2, mitochondrial; plus strand). Cytogenetic location: 2q33.1.
Variant type: Deletion.
Coding change: c.119_127del on transcript NM_138395.4 (MANE Select); coding-DNA positions 119 to 127, 9 bases deleted (CTTGTGATG; older notation c.119_127delCTTGTGATG).
Protein change: p.Ala40_Asp42del.
Genome position (GRCh38, 1-based): chr2:197,705,524-197,705,532, CTTGTGATG deleted; deleting any 9 consecutive bases within chr2:197,705,519-197,705,532 gives the same sequence; the c. name uses the placement nearest the transcript's 3' end. VCF-style (leftmost placement, unchanged base first): chr2-197705518-ATGATGCTTG-A. GRCh37 (hg19) VCF-style: chr2-198570242-ATGATGCTTG-A.
Identifiers: ClinVar variation 4765008 (VCV004765008.1).

ClinVar aggregate classification (germline): Uncertain significance (1 of 4 stars; one submission).

Submission:

Labcorp Genetics (formerly Invitae), Labcorp
Classification: Uncertain significance. Last evaluated: 2025-03-28. Review status: criteria provided, single submitter. Criteria: Invitae Variant Classification Sherloc (09022015). Collection method: clinical testing. Allele origin: germline.
Comment: This variant, c.119_127del, results in the deletion of 3 amino acid(s) of the MARS2 protein (p.Ala40_Asp42del), but otherwise preserves the integrity of the reading frame. This variant is present in population databases (no rsID available, gnomAD 0.002%). This variant has not been reported in the literature in individuals affected with MARS2-related conditions. Experimental studies and prediction algorithms are not available or were not evaluated, and the functional significance of this variant is currently unknown. In summary, the available evidence is currently insufficient to determine the role of this variant in disease. Therefore, it has been classified as a Variant of Uncertain Significance.